The following is an entry in ClinVar:

NM_015267.4(CUX2):c.2344G>A (p.Ala782Thr)

Gene: CUX2 (cut like homeobox 2; plus strand). Cytogenetic location: 12q24.12.
Variant type: single nucleotide variant.
Coding change: c.2344G>A on transcript NM_015267.4 (MANE Select); coding-DNA position 2344, G replaced by A.
Protein change: p.Ala782Thr; replaces alanine 782 with threonine.
Molecular consequence: missense variant.
Genome position (GRCh38, 1-based): chr12:111,320,353, G>A. VCF-style: chr12-111320353-G-A. GRCh37 (hg19) VCF-style: chr12-111758157-G-A.
Other names: c.2158G>A, p.Ala720Thr (NM_001370598.1); short protein forms A720T, A782T.
Identifiers: ClinVar variation 3031874 (VCV003031874.3), dbSNP rs557174004, ClinGen allele CA6788852.
Genomic context (GRCh38, chr12:111,320,353, plus strand): 5'-CTGTCCCCCGCCGCCTTCGTGCAGAGCATCATCCGCAAGGTCAAGTCCGAGATCGGCGAC[G>A]CCGGCTACTTCGACCACCACTGGGCCTCCGACCGCGGCCTGCTCAGCCGCCCCTACGCCT-3'
Protein context (NP_056082.2, residues 772-792): IRKVKSEIGD[Ala782Thr]GYFDHHWASD

ClinVar aggregate classification (germline): Likely benign. Review status: criteria provided, single submitter (1 of 4 stars). 2 submissions from 2 submitters: Likely benign (1). 1 of the submissions does not count toward it. Last evaluated 2025-12-10.

Conditions:
CUX2-related disorder. Also called: CUX2-related condition.
Inborn genetic diseases. Identifiers: MedGen C0950123, MeSH D030342.

Allele frequency attached by ClinVar (database versions not stated): gnomAD 0.00010; 1000 Genomes Project 30x 0.00062; TOPMed 0.00005; ExAC 0.00024; 1000 Genomes Project 0.00060.
gnomAD v4.1: 175 of 1,598,130 alleles (0.011%); highest among the groups gnomAD compares: South Asian, 0.083%; 1 homozygote.

Submissions (2):

Ambry Genetics
Classification: Likely benign for Inborn genetic diseases. Last evaluated: 2025-12-10. Review status: criteria provided, single submitter. Criteria: Ambry Variant Classification Scheme 2023. Collection method: clinical testing. Allele origin: germline.

PreventionGenetics, part of Exact Sciences
Classification: Likely benign for CUX2-related condition. Last evaluated: 2022-09-21. Review status: no assertion criteria provided. Collection method: clinical testing. Allele origin: germline. Not counted in ClinVar's aggregate classification.
Comment: This variant is classified as likely benign based on ACMG/AMP sequence variant interpretation guidelines (Richards et al. 2015 PMID: 25741868, with internal and published modifications).